The following is an entry in ClinVar:

NM_004211.5(SLC6A5):c.1279A>G (p.Thr427Ala)

Gene: SLC6A5 (solute carrier family 6 member 5; plus strand). Cytogenetic location: 11p15.1.
Variant type: single nucleotide variant.
Coding change: c.1279A>G on transcript NM_004211.5 (MANE Select); coding-DNA position 1279, A replaced by G.
Protein change: p.Thr427Ala; replaces threonine 427 with alanine.
Molecular consequence: missense variant.
Genome position (GRCh38, 1-based): chr11:20,626,726, A>G. VCF-style: chr11-20626726-A-G. GRCh37 (hg19) VCF-style: chr11-20648272-A-G.
Other names: c.577A>G, p.Thr193Ala (NM_001318369.2); short protein forms T193A, T427A.
Identifiers: ClinVar variation 4874521 (VCV004874521.2).

ClinVar aggregate classification (germline): Uncertain significance (1 of 4 stars; one submission).

Submission:

CeGaT Center for Human Genetics Tuebingen
Classification: Uncertain significance. Last evaluated: 2026-04-01. Review status: criteria provided, single submitter. Criteria: CeGaT Center For Human Genetics Tuebingen Variant Classification Criteria Version 2. Collection method: clinical testing. Allele origin: germline. Affected: yes. Observed: 1 variant allele.
Comment: SLC6A5: PM2, PP3